The following is an entry in ClinVar:

NM_133497.4(KCNV2):c.671C>A (p.Ala224Glu)

Gene: KCNV2 (potassium voltage-gated channel modifier subfamily V member 2; plus strand). Cytogenetic location: 9p24.2.
Variant type: single nucleotide variant.
Coding change: c.671C>A on transcript NM_133497.4 (MANE Select); coding-DNA position 671, C replaced by A.
Protein change: p.Ala224Glu; replaces alanine 224 with glutamic acid.
Molecular consequence: missense variant.
Genome position (GRCh38, 1-based): chr9:2,718,410, C>A. VCF-style: chr9-2718410-C-A. GRCh37 (hg19) VCF-style: chr9-2718410-C-A.
Other names: short protein forms A224E.
Identifiers: ClinVar variation 956795 (VCV000956795.11), dbSNP rs776156112, ClinGen allele CA4965569.
Genomic context (GRCh38, chr9:2,718,410, plus strand): 5'-AGGAGCGGCGCGACGAGCTGAGCGAACGGCTCAAGATCCAGCACGAGCTGCGCGCGCAGG[C>A]GCAGGTCGAGGAGGCGGAGGAACTCTTCCGCGACATGCGCTTCTACGGCCCGCAGCGGCG-3'
Protein context (NP_598004.1, residues 214-234): LKIQHELRAQ[Ala224Glu]QVEEAEELFR

ClinVar aggregate classification (germline): Uncertain significance. Review status: criteria provided, multiple submitters, no conflicts (2 of 4 stars). 3 submissions from 3 submitters: Uncertain significance (3). Last evaluated 2026-06-15.

Conditions:
KCNV2-related disorder. Also called: KCNV2-related condition.
Inborn genetic diseases. Identifiers: MedGen C0950123, MeSH D030342.

Allele frequency attached by ClinVar (database versions not stated): ExAC 0.00001; gnomAD exomes 0.00001 and 0.00002; TOPMed 0.00001.
gnomAD v4.1: 31 of 1,603,134 alleles (0.0019%); highest among the groups gnomAD compares: Non-Finnish European, 0.0026%; no homozygotes.

Submissions (3):

PreventionGenetics, part of Exact Sciences
Classification: Uncertain significance for KCNV2-related condition. Last evaluated: 2026-06-15. Review status: criteria provided, single submitter. Criteria: ACMG Guidelines, 2015. Collection method: clinical testing. Allele origin: germline.
Comment: The KCNV2 c.671C>A variant is predicted to result in the amino acid substitution p.Ala224Glu. To our knowledge, this variant has not been reported in the literature. This variant is reported in 0.0021% of alleles in individuals of European (Non-Finnish) descent in gnomAD. At this time, the clinical significance of this variant is uncertain due to the absence of conclusive functional and genetic evidence.

Ambry Genetics
Classification: Uncertain significance for Inborn genetic diseases. Last evaluated: 2025-11-20. Review status: criteria provided, single submitter. Criteria: Ambry Variant Classification Scheme 2023. Collection method: clinical testing. Allele origin: germline.

Labcorp Genetics (formerly Invitae), Labcorp
Classification: Uncertain significance. Last evaluated: 2019-09-03. Review status: criteria provided, single submitter. Criteria: Invitae Variant Classification Sherloc (09022015). Collection method: clinical testing. Allele origin: germline.
Comment: In summary, the available evidence is currently insufficient to determine the role of this variant in disease. Therefore, it has been classified as a Variant of Uncertain Significance. Algorithms developed to predict the effect of missense changes on protein structure and function do not agree on the potential impact of this missense change (SIFT: "Deleterious"; PolyPhen-2: "Benign"; Align-GVGD: "Class C15"). This variant has not been reported in the literature in individuals with KCNV2-related disease. This variant is present in population databases (rs776156112, ExAC 0.002%). This sequence change replaces alanine with glutamic acid at codon 224 of the KCNV2 protein (p.Ala224Glu). The alanine residue is moderately conserved and there is a moderate physicochemical difference between alanine and glutamic acid.